The following is an entry in ClinVar:

ClinVar aggregate classification (germline): Uncertain significance (1 of 4 stars; one submission).

Allele frequency attached by ClinVar (database versions not stated): gnomAD exomes below 0.00001; TOPMed 0.00001; ESP Exome Variant Server 0.00008.
gnomAD v4.1: 1 of 1,613,450 alleles (0.000062%); highest among the groups gnomAD compares: Non-Finnish European, 0.000085%; no homozygotes.

Submission:

Labcorp Genetics (formerly Invitae), Labcorp
Classification: Uncertain significance. Last evaluated: 2024-10-15. Review status: criteria provided, single submitter. Criteria: Invitae Variant Classification Sherloc (09022015). Collection method: clinical testing. Allele origin: germline.
Comment: This sequence change replaces glutamic acid, which is acidic and polar, with glycine, which is neutral and non-polar, at codon 4182 of the HMCN1 protein (p.Glu4182Gly). This variant is present in population databases (rs372284265, gnomAD 0.0009%). This variant has not been reported in the literature in individuals affected with HMCN1-related conditions. ClinVar contains an entry for this variant (Variation ID: 2166484). An algorithm developed to predict the effect of missense changes on protein structure and function (PolyPhen-2) suggests that this variant is likely to be disruptive. In summary, the available evidence is currently insufficient to determine the role of this variant in disease. Therefore, it has been classified as a Variant of Uncertain Significance.

NM_031935.3(HMCN1):c.12545A>G (p.Glu4182Gly)

Gene: HMCN1 (hemicentin 1; plus strand). Cytogenetic location: 1q31.1.
Variant type: single nucleotide variant.
Coding change: c.12545A>G on transcript NM_031935.3 (MANE Select); coding-DNA position 12545, A replaced by G.
Protein change: p.Glu4182Gly; replaces glutamic acid 4182 with glycine.
Molecular consequence: missense variant.
Genome position (GRCh38, 1-based): chr1:186,125,649, A>G. VCF-style: chr1-186125649-A-G. GRCh37 (hg19) VCF-style: chr1-186094781-A-G.
Other names: short protein forms E4182G.
Identifiers: ClinVar variation 2166484 (VCV002166484.4), dbSNP rs372284265, ClinGen allele CA33459756.
Genomic context (GRCh38, chr1:186,125,649, plus strand): 5'-TTAAACTCTTCATAGTACCACCCAGGATCAGAAGTACAGAAGGACACTACACGGTCAATG[A>G]GAATTCACAAGCCATTCTTCCATGCGTAGCTGATGGAATCCCCACACCAGCAATTAACTG-3'
Protein context (NP_114141.2, residues 4172-4192): RSTEGHYTVN[Glu4182Gly]NSQAILPCVA